The following is an entry in ClinVar:

ClinVar aggregate classification (germline): Uncertain significance. Review status: criteria provided, multiple submitters, no conflicts (2 of 4 stars). 5 submissions from 5 submitters: Uncertain significance (3). 2 of the submissions do not count toward it. Last evaluated 2022-06-12.

Conditions:
PEX6-related disorder. Also called: PEX6-related disorders; PEX6-related condition.
Zellweger spectrum disorders (ZS). Also called: Zellweger Spectrum Disorder; Zellweger Spectrum; Zellweger syndrome; Zellweger Spectrum Disorder (ZSD). Identifiers: Orphanet 912, MedGen C0043459, MONDO:0019609.
Peroxisome biogenesis disorder. Identifiers: Orphanet 79189, MedGen C1832200, MONDO:0019234. Disease mechanism: loss of function.

Allele frequency attached by ClinVar (database versions not stated): gnomAD exomes 0.00003 and 0.00005; ExAC 0.00005; gnomAD 0.00001.

Submissions (5):

Labcorp Genetics (formerly Invitae), Labcorp
Classification: Uncertain significance for Peroxisome biogenesis disorder. Last evaluated: 2022-06-12. Review status: criteria provided, single submitter. Criteria: Invitae Variant Classification Sherloc (09022015). Collection method: clinical testing. Allele origin: germline.
Comment: This sequence change results in a frameshift in the PEX6 gene (p.Gln965Alafs*34). While this is not anticipated to result in nonsense mediated decay, it is expected to disrupt the last 16 amino acid(s) of the PEX6 protein and extend the protein by 17 additional amino acid residues. This variant is present in population databases (rs753862792, gnomAD 0.04%). This variant has not been reported in the literature in individuals affected with PEX6-related conditions. ClinVar contains an entry for this variant (Variation ID: 373489). Experimental studies and prediction algorithms are not available or were not evaluated, and the functional significance of this variant is currently unknown. In summary, the available evidence is currently insufficient to determine the role of this variant in disease. Therefore, it has been classified as a Variant of Uncertain Significance.

Women's Health and Genetics/Laboratory Corporation of America, LabCorp
Classification: Uncertain significance. Last evaluated: 2022-05-04. Review status: criteria provided, single submitter. Criteria: LabCorp Variant Classification Summary - May 2015. Collection method: clinical testing. Allele origin: germline.
Comment: Variant summary: PEX6 c.2891dupA (p.Gln965AlafsX34) causes a frameshift which results in an extension of the protein. However, only last 16 amino acids were affected and no functional domain is located in this region. The variant allele was found at a frequency of 5.2e-05 in 250366 control chromosomes. This frequency is not significantly higher than expected for a pathogenic variant in PEX6 causing Zellweger Syndrome (5.2e-05 vs 0.0019), allowing no conclusion about variant significance. To our knowledge, no occurrence of c.2891dupA in individuals affected with Zellweger Syndrome and no experimental evidence demonstrating its impact on protein function have been reported. Two clinical diagnostic laboratories have submitted clinical-significance assessments for this variant to ClinVar after 2014 without evidence for independent evaluation. Both laboratories classified the variant as uncertain significance. Based on the evidence outlined above, the variant was classified as VUS.

GeneDx
Classification: Uncertain significance. Last evaluated: 2016-12-02. Review status: criteria provided, single submitter. Criteria: GeneDx Variant Classification (06012015). Collection method: clinical testing. Allele origin: germline. Affected: yes.
Comment: The c.2891dupA variant in the PEX6 gene has not been reported previously as a pathogenic variant nor as a benign variant, to our knowledge. The c.2891dupA variant causes a frameshift starting with codon Glutamine 965, changes this amino acid to an Alanine residue, and creates a premature Stop codon at position 34 of the new reading frame, denoted p.Gln965AlafsX34. This frameshift variant replaces the typical last 16 amino acid residues in the PEX6 protein with 33 different amino acid residues. This change is expected to alter the normal structure and function of the resultant protein. The c.2891dupA variant was not observed in approximately 6500 individuals of European and African American ancestry in the NHLBI Exome Sequencing Project, indicating it is not a common benign variant in these populations. We interpret c.2891dupA as a variant of uncertain significance.

PreventionGenetics, part of Exact Sciences
Classification: Uncertain significance for PEX6-related condition. Last evaluated: 2023-12-14. Review status: no assertion criteria provided. Collection method: clinical testing. Allele origin: germline. Not counted in ClinVar's aggregate classification.
Comment: The PEX6 c.2891dupA variant is predicted to result in a frameshift and premature protein termination (p.Gln965Alafs*34). The normal stop codon is at codon 981 and this variant is located in the last exon of this gene. Frameshift variants in PEX6 are expected to be pathogenic. To our knowledge, however, no truncating variants 3' (downstream) of this variant have been reported to be conclusively pathogenic in the literature. This variant has been reported in a carrier study of autosomal recessive inherited retinal diseases (Hanany et al. 2020. PubMed ID: 31964843, Table S3). This variant is reported in 0.042% of alleles in individuals of South Asian descent in gnomAD. Although we suspect this variant could be pathogenic, at this time, the clinical significance of this variant is uncertain due to the absence of conclusive functional and genetic evidence.

Natera, Inc.
Classification: Uncertain significance for Zellweger syndrome. Last evaluated: 2019-10-28. Review status: no assertion criteria provided. Collection method: clinical testing. Allele origin: germline. Not counted in ClinVar's aggregate classification.

NM_000287.4(PEX6):c.2891dup (p.Gln965fs)

Gene: PEX6 (peroxisomal biogenesis factor 6; minus strand). Cytogenetic location: 6p21.1.
Variant type: Duplication.
Coding change: c.2891dup on transcript NM_000287.4 (MANE Select); coding-DNA position 2891, one base duplicated (A; older notation c.2891dupA).
Protein change: p.Gln965fs; shifts the reading frame from glutamine 965.
Molecular consequence: frameshift variant. On other transcripts: non-coding transcript variant (1).
Genome position (GRCh38, 1-based): chr6:42,964,387, T duplicated on the plus strand (A on the coding strand, the reverse complement: PEX6 is on the minus strand). VCF-style (leftmost placement, unchanged base first): chr6-42964386-C-CT. GRCh37 (hg19) VCF-style: chr6-42932124-C-CT.
Other names: c.2627dup, p.Gln877fs (NM_001316313.2); short protein forms Q877fs, Q965fs.
Identifiers: ClinVar variation 373489 (VCV000373489.7), dbSNP rs753862792, ClinGen allele CA3810872.
Genomic context (GRCh38, chr6:42,964,386, plus strand): 5'-GGGGGGCTCCTAGCAGGCAGCAAACTTGCGCTGGATGCGCTTGTACCGGAGCAGCTCCTG[C>CT]TCACTGACTGAGGGTTGCAGCCGGGCGGCAGCCTGCAGCAAGTCCTCCATGGTGAGCATC-3'